The following is an entry in ClinVar:

ClinVar aggregate classification (germline): Uncertain significance (1 of 4 stars; one submission).

Submission:

GeneDx
Classification: Uncertain significance. Last evaluated: 2025-03-21. Review status: criteria provided, single submitter. Criteria: GeneDx Variant Classification Process June 2021. Collection method: clinical testing. Allele origin: germline. Affected: yes.
Comment: Not observed at significant frequency in large population cohorts (gnomAD); In silico analysis indicates that this missense variant does not alter protein structure/function; Has not been previously published as pathogenic or benign to our knowledge

NM_000836.4(GRIN2D):c.833A>G (p.Gln278Arg)

Gene: GRIN2D (glutamate ionotropic receptor NMDA type subunit 2D; plus strand). Cytogenetic location: 19q13.33.
Variant type: single nucleotide variant.
Coding change: c.833A>G on transcript NM_000836.4 (MANE Select); coding-DNA position 833, A replaced by G.
Protein change: p.Gln278Arg; replaces glutamine 278 with arginine.
Molecular consequence: missense variant.
Genome position (GRCh38, 1-based): chr19:48,405,101, A>G. VCF-style: chr19-48405101-A-G. GRCh37 (hg19) VCF-style: chr19-48908358-A-G.
Other names: short protein forms Q278R.
Identifiers: ClinVar variation 4086361 (VCV004086361.1).